The following is an entry in ClinVar:

ClinVar aggregate classification (germline): Uncertain significance (1 of 4 stars; one submission).

Conditions:
GM1 gangliosidosis. Identifiers: Orphanet 354, MedGen C0085131, MONDO:0018149.
Mucopolysaccharidosis, MPS-IV-B (MPS4B). Also called: MORQUIO SYNDROME B; Mucopolysaccharidosis Type IVB (Morquio B Disease); Mucopolysaccharidosis type IV B; Mucopolysaccharidosis Type IVB; Mucopolysaccharidosis type 4B; Mucopolysaccharidosis type IVB (Morquio). Identifiers: Orphanet 309310, Orphanet 582, MedGen C0086652, MONDO:0009660, OMIM 253010.

Allele frequency attached by ClinVar (database versions not stated): ExAC 0.00001.

Submission:

Labcorp Genetics (formerly Invitae), Labcorp
Classification: Uncertain significance for Mucopolysaccharidosis, MPS-IV-B; GM1 gangliosidosis. Last evaluated: 2022-10-17. Review status: criteria provided, single submitter. Criteria: Invitae Variant Classification Sherloc (09022015). Collection method: clinical testing. Allele origin: germline.
Comment: Advanced modeling of protein sequence and biophysical properties (such as structural, functional, and spatial information, amino acid conservation, physicochemical variation, residue mobility, and thermodynamic stability) performed at Invitae indicates that this missense variant is expected to disrupt GLB1 protein function. This variant has not been reported in the literature in individuals affected with GLB1-related conditions. This variant is present in population databases (rs766801983, gnomAD 0.003%). This sequence change replaces threonine, which is neutral and polar, with alanine, which is neutral and non-polar, at codon 344 of the GLB1 protein (p.Thr344Ala). In summary, the available evidence is currently insufficient to determine the role of this variant in disease. Therefore, it has been classified as a Variant of Uncertain Significance.

NM_000404.4(GLB1):c.1030A>G (p.Thr344Ala)

Gene: GLB1 (galactosidase beta 1; minus strand). Cytogenetic location: 3p22.3.
Variant type: single nucleotide variant.
Coding change: c.1030A>G on transcript NM_000404.4 (MANE Select); coding-DNA position 1030, A replaced by G.
Protein change: p.Thr344Ala; replaces threonine 344 with alanine.
Molecular consequence: missense variant.
Genome position (GRCh38, 1-based): chr3:33,046,158, T>C on the plus strand (A>G on the coding strand, the complement: GLB1 is on the minus strand). VCF-style: chr3-33046158-T-C. GRCh37 (hg19) VCF-style: chr3-33087650-T-C.
Other names: c.940A>G, p.Thr314Ala (NM_001079811.3); c.637A>G, p.Thr213Ala (NM_001135602.3); c.1174A>G, p.Thr392Ala (NM_001317040.2); c.1030A>G, p.Thr344Ala (NM_001393580.1); short protein forms T314A, T213A, T344A, T392A.
Identifiers: ClinVar variation 2045556 (VCV002045556.4), dbSNP rs766801983, ClinGen allele CA2299522.